The following is an entry in ClinVar:

NM_001099274.3(TINF2):c.1222-3C>T

Gene: TINF2 (TERF1 interacting nuclear factor 2; minus strand). Cytogenetic location: 14q12.
Variant type: single nucleotide variant.
Coding change: c.1222-3C>T on transcript NM_001099274.3 (MANE Select); 3 bases into the intron before coding-DNA position 1222, C replaced by T.
Molecular consequence: intron variant. On other transcripts: 3 prime UTR variant (1).
Genome position (GRCh38, 1-based): chr14:24,239,934, G>A on the plus strand (C>T on the coding strand, the complement: TINF2 is on the minus strand). VCF-style: chr14-24239934-G-A. GRCh37 (hg19) VCF-style: chr14-24709140-G-A.
Other names: c.*481C>T (NM_012461.3); c.1117-3C>T (NM_001363668.2).
Identifiers: ClinVar variation 1050861 (VCV001050861.7), dbSNP rs760553298, ClinGen allele CA2499222605.
Genomic context (GRCh38, chr14:24,239,934, plus strand): 5'-CACAGAGAGTGGGTATCAAGGTGTCAAACTTTGTCTTCTGATAGTTTTCCAGAGATTCCT[G>A]TAGAGAAGGGAGCAGGGAGAGCCTACTATCCGAAACCATTCCCTGAACCCTCTGAATTCT-3'

ClinVar aggregate classification (germline): Uncertain significance (1 of 4 stars; one submission).

Conditions:
Dyskeratosis congenita. Identifiers: Orphanet 1775, MedGen C0265965, MONDO:0015780.

Submission:

Labcorp Genetics (formerly Invitae), Labcorp
Classification: Uncertain significance for Dyskeratosis congenita. Last evaluated: 2020-09-19. Review status: criteria provided, single submitter. Criteria: Invitae Variant Classification Sherloc (09022015). Collection method: clinical testing. Allele origin: germline.
Comment: In summary, the available evidence is currently insufficient to determine the role of this variant in disease. Therefore, it has been classified as a Variant of Uncertain Significance. Nucleotide substitutions within the consensus splice site are a relatively common cause of aberrant splicing (PMID: 17576681, 9536098). Algorithms developed to predict the effect of sequence changes on RNA splicing suggest that this variant is not likely to affect RNA splicing, but this prediction has not been confirmed by published transcriptional studies. This variant has not been reported in the literature in individuals with TINF2-related conditions. This variant is not present in population databases (ExAC no frequency). This sequence change falls in intron 8 of the TINF2 gene. It does not directly change the encoded amino acid sequence of the TINF2 protein, but it affects a nucleotide within the consensus splice site of the intron.

Literature cited by the submitters: PubMed 17576681; PubMed 9536098.